The following is an entry in ClinVar:

ClinVar aggregate classification (germline): Uncertain significance. Review status: criteria provided, multiple submitters, no conflicts (2 of 4 stars). 4 submissions from 4 submitters: Uncertain significance (4). Last evaluated 2025-11-07.

Conditions:
Hereditary diffuse gastric adenocarcinoma (HDGC). Also called: DIFFUSE GASTRIC AND LOBULAR BREAST CANCER SYNDROME. Identifiers: Orphanet 26106, MedGen C1708349, MONDO:0007648, OMIM 137215.
CTNNA1-related diffuse gastric and lobular breast cancer syndrome. Identifiers: MedGen CN324029, MONDO:0100256.
Hereditary cancer-predisposing syndrome. Also called: Neoplastic Syndromes, Hereditary; Hereditary Cancer Syndrome; Tumor predisposition; Hereditary neoplastic syndrome. Identifiers: Orphanet 140162, MedGen C0027672, MeSH D009386, MONDO:0015356.

Submissions (4):

Dasa
Classification: Uncertain significance for CTNNA1-related diffuse gastric and lobular breast cancer syndrome. Last evaluated: 2025-11-07. Review status: criteria provided, single submitter. Criteria: DASA Assertion Criteria. Collection method: clinical testing. Allele origin: germline.
Comment: NM_001903.5(CTNNA1):c.1424C>T (p.Pro475Leu) is a missense variant that results in the substitution of proline with leucine. This variant is rare in population databases. Computational prediction algorithms are consistent with a deleterious effect. The currently available literature and clinical evidence are not sufficient to establish a definitive association between this variant and the reported condition. Therefore, this variant is classified as a variant of uncertain significance.

St. Jude Molecular Pathology, St. Jude Children's Research Hospital
Classification: Uncertain significance for Hereditary diffuse gastric adenocarcinoma. Last evaluated: 2024-08-24. Review status: criteria provided, single submitter. Criteria: St. Jude Assertion Criteria 2020. Collection method: clinical testing. Allele origin: germline.
Comment: The CTNNA1 c.1424C>T (p.Pro475Leu) missense change is absent in gnomAD v2.1.1. The in silico tool REVEL predicts a deleterious effect on protein function, but to our knowledge this prediction has not been confirmed by functional studies. To our knowledge, this variant has not been reported in individuals with CTNNA1-related disease. In summary, the evidence currently available is insufficient to determine the clinical significance of this variant. It has therefore been classified as of uncertain significance.

Ambry Genetics
Classification: Uncertain significance for Hereditary cancer-predisposing syndrome. Last evaluated: 2024-01-25. Review status: criteria provided, single submitter. Criteria: Ambry Variant Classification Scheme 2023. Collection method: clinical testing. Allele origin: germline.
Comment: The p.P475L variant (also known as c.1424C>T), located in coding exon 10 of the CTNNA1 gene, results from a C to T substitution at nucleotide position 1424. The proline at codon 475 is replaced by leucine, an amino acid with similar properties. This amino acid position is conserved. In addition, this alteration is predicted to be deleterious by in silico analysis. Based on the available evidence, the clinical significance of this alteration remains unclear.

Labcorp Genetics (formerly Invitae), Labcorp
Classification: Uncertain significance. Last evaluated: 2022-03-11. Review status: criteria provided, single submitter. Criteria: Invitae Variant Classification Sherloc (09022015). Collection method: clinical testing. Allele origin: germline.
Comment: In summary, the available evidence is currently insufficient to determine the role of this variant in disease. Therefore, it has been classified as a Variant of Uncertain Significance. Algorithms developed to predict the effect of missense changes on protein structure and function are either unavailable or do not agree on the potential impact of this missense change (SIFT: "Deleterious"; PolyPhen-2: "Probably Damaging"; Align-GVGD: "Class C0"). This variant has not been reported in the literature in individuals affected with CTNNA1-related conditions. This variant is not present in population databases (gnomAD no frequency). This sequence change replaces proline, which is neutral and non-polar, with leucine, which is neutral and non-polar, at codon 475 of the CTNNA1 protein (p.Pro475Leu).

NM_001903.5(CTNNA1):c.1424C>T (p.Pro475Leu)

Gene: CTNNA1 (catenin alpha 1; plus strand). Cytogenetic location: 5q31.2.
Variant type: single nucleotide variant.
Coding change: c.1424C>T on transcript NM_001903.5 (MANE Select); coding-DNA position 1424, C replaced by T.
Protein change: p.Pro475Leu; replaces proline 475 with leucine.
Molecular consequence: missense variant. On other transcripts: 5 prime UTR variant (5).
Genome position (GRCh38, 1-based): chr5:138,917,776, C>T. VCF-style: chr5-138917776-C-T. GRCh37 (hg19) VCF-style: chr5-138253465-C-T.
Other names: c.1424C>T, p.Pro475Leu (NM_001290307.3, NM_001323982.2, NM_001323983.1 and 2 more transcripts); c.1115C>T, p.Pro372Leu (NM_001290309.3); c.1055C>T, p.Pro352Leu (NM_001290310.3); c.314C>T, p.Pro105Leu (NM_001290312.1, NM_001323987.1, NM_001323988.1 and 17 more transcripts); c.1331C>T, p.Pro444Leu (NM_001323986.2); c.-26C>T (NM_001324006.1, NM_001324007.1, NM_001324008.1 and 2 more transcripts); c.221C>T, p.Pro74Leu (NM_001324011.1); c.71C>T, p.Pro24Leu (NM_001324012.1, NM_001324013.1); and 1 more; short protein forms P24L, P352L, P372L, P444L, P74L, P105L, P475L.
Identifiers: ClinVar variation 1356493 (VCV001356493.10), dbSNP rs1022331992, ClinGen allele CA128260468.
Genomic context (GRCh38, chr5:138,917,776, plus strand): 5'-ACAGTGAAGTTTAATATCTTTTGCAGGTTATTAATGCTGCACTGGCTTTAGCAGCAAAAC[C>T]ACAGAGTAAACTGGCCCAAGAGAACATGGATCTTTTTAAAGAACAATGGGAAAAACAAGT-3'
Protein context (NP_001894.2, residues 465-485): INAALALAAK[Pro475Leu]QSKLAQENMD